The following is an entry in ClinVar:

NM_001042492.3(NF1):c.655-12_655-9del

Gene: NF1 (neurofibromin 1; plus strand). Cytogenetic location: 17q11.2.
Variant type: Deletion.
Coding change: c.655-12_655-9del on transcript NM_001042492.3 (MANE Select); 12 bases into the intron before coding-DNA position 655 through 9 bases into the intron before coding-DNA position 655, 4 bases deleted (CTTT; older notation c.655-12_655-9delCTTT).
Molecular consequence: intron variant.
Genome position (GRCh38, 1-based): chr17:31,181,698-31,181,701, CTTT deleted; deleting any 4 consecutive bases within chr17:31,181,696-31,181,701 gives the same sequence; the c. name uses the placement nearest the transcript's 3' end. VCF-style (leftmost placement, unchanged base first): chr17-31181695-GTTCT-G. GRCh37 (hg19) VCF-style: chr17-29508713-GTTCT-G.
Other names: c.655-12_655-9del (NM_000267.4, NM_001128147.3); c.655-12_655-9delCTTT (NM_000267.3).
Identifiers: ClinVar variation 816743 (VCV000816743.4), dbSNP rs1597658505, ClinGen allele CA915949757.

ClinVar aggregate classification (germline): Pathogenic. Review status: criteria provided, multiple submitters, no conflicts (2 of 4 stars). 2 submissions from 2 submitters: Pathogenic (2). Last evaluated 2025-03-10.

Conditions:
Neurofibromatosis, type 1 (NF1). Also called: Neurofibromatosis, type I; NEUROFIBROMATOSIS, TYPE I, SOMATIC; VON RECKLINGHAUSEN DISEASE; Peripheral type neurofibromatosis. Identifiers: Orphanet 636, MedGen C0027831, MONDO:0018975, OMIM 162200. Disease mechanism: loss of function.

Submissions (2):

GeneDx
Classification: Pathogenic. Last evaluated: 2025-03-10. Review status: criteria provided, single submitter. Criteria: GeneDx Variant Classification Process June 2021. Collection method: clinical testing. Allele origin: germline. Affected: yes.
Comment: Non-canonical splice site variant demonstrated to result in loss of function (PMID: 32126153); Not observed at significant frequency in large population cohorts (gnomAD); This variant is associated with the following publications: (PMID: 32126153)

UAB Medical Genomics Laboratory, UAB Medicine
Classification: Pathogenic for Neurofibromatosis, type 1. Last evaluated: 2020-01-20. Review status: criteria provided, single submitter. Criteria: ACMG Guidelines, 2015. Collection method: clinical testing. Allele origin: germline. Affected: yes.

Literature cited by the submitters: PubMed 32126153 (cited by UAB Medical Genomics Laboratory, UAB Medicine).